The following is an entry in ClinVar:

ClinVar aggregate classification (germline): Uncertain significance (1 of 4 stars; one submission).

Conditions:
Hereditary cancer-predisposing syndrome. Also called: Tumor predisposition; Hereditary Cancer Syndrome; Neoplastic Syndromes, Hereditary; Hereditary neoplastic syndrome. Identifiers: Orphanet 140162, MedGen C0027672, MeSH D009386, MONDO:0015356.

Submission:

Ambry Genetics
Classification: Uncertain significance for Hereditary cancer-predisposing syndrome. Last evaluated: 2024-10-12. Review status: criteria provided, single submitter. Criteria: Ambry Variant Classification Scheme 2023. Collection method: clinical testing. Allele origin: germline.
Comment: The p.A2368T variant (also known as c.7102G>A), located in coding exon 48 of the ATM gene, results from a G to A substitution at nucleotide position 7102. The alanine at codon 2368 is replaced by threonine, an amino acid with similar properties. This amino acid position is conserved. In addition, this alteration is predicted to be tolerated by in silico analysis. Based on the available evidence, the clinical significance of this variant remains unclear.

NM_000051.4(ATM):c.7102G>A (p.Ala2368Thr)

Genes: ATM (ATM serine/threonine kinase; plus strand), C11orf65 (chromosome 11 open reading frame 65; minus strand). Cytogenetic location: 11q22.3.
Variant type: single nucleotide variant.
Coding change: c.7102G>A on transcript NM_000051.4 (MANE Select); coding-DNA position 7102, G replaced by A.
Protein change: p.Ala2368Thr; replaces alanine 2368 with threonine.
Molecular consequence: missense variant. On other transcripts: intron variant (2).
Genome position (GRCh38, 1-based): chr11:108,329,033, G>A. VCF-style: chr11-108329033-G-A. GRCh37 (hg19) VCF-style: chr11-108199760-G-A.
Other names: c.7102G>A, p.Ala2368Thr (NM_001351834.2); c.641-19962C>T (NM_001330368.2); c.*38+6187C>T (NM_001351110.2); short protein forms A2368T.
Identifiers: ClinVar variation 3451876 (VCV003451876.1).